The following is an entry in ClinVar:

ClinVar aggregate classification (germline): Uncertain significance (1 of 4 stars; one submission).

Submission:

GeneDx
Classification: Uncertain significance. Last evaluated: 2025-06-24. Review status: criteria provided, single submitter. Criteria: GeneDx Variant Classification Process June 2021. Collection method: clinical testing. Allele origin: germline. Affected: yes.
Comment: Not observed at significant frequency in large population cohorts (gnomAD); In silico analysis suggests that this missense variant does not alter protein structure/function; Has not been previously published as pathogenic or benign to our knowledge

NM_020987.5(ANK3):c.7069G>A (p.Glu2357Lys)

Gene: ANK3 (ankyrin 3; minus strand). Cytogenetic location: 10q21.2.
Variant type: single nucleotide variant.
Coding change: c.7069G>A on transcript NM_020987.5 (MANE Select); coding-DNA position 7069, G replaced by A.
Protein change: p.Glu2357Lys; replaces glutamic acid 2357 with lysine.
Molecular consequence: missense variant. On other transcripts: intron variant (4).
Genome position (GRCh38, 1-based): chr10:60,073,812, C>T on the plus strand (G>A on the coding strand, the complement: ANK3 is on the minus strand). VCF-style: chr10-60073812-C-T. GRCh37 (hg19) VCF-style: chr10-61833570-C-T.
Other names: c.4388-5803G>A (NM_001204403.2); c.4409-5803G>A (NM_001204404.2); c.4406-5803G>A (NM_001320874.2); c.1808-5803G>A (NM_001149.4); short protein forms E2357K.
Identifiers: ClinVar variation 4540357 (VCV004540357.1).
Genomic context (GRCh38, chr10:60,073,812, plus strand): 5'-GCAGAAAATCTTTTAGGTTAATATCTCCCCGGGATAAGTCTTTCTGATATACATACATTT[C>T]TTTTTCTGGATGCTTTTTGGTTTCTCTAATAATGACTTCAGTGGGCTCAGCTTGGTTACC-3'
Protein context (NP_066267.2, residues 2347-2367): IRETKKHPEK[Glu2357Lys]MYVYQKDLSR